The following is an entry in ClinVar:

NM_005228.5(EGFR):c.3387C>G (p.His1129Gln)

Gene: EGFR (epidermal growth factor receptor; plus strand). Cytogenetic location: 7p11.2.
Variant type: single nucleotide variant.
Coding change: c.3387C>G on transcript NM_005228.5 (MANE Select); coding-DNA position 3387, C replaced by G.
Protein change: p.His1129Gln; replaces histidine 1129 with glutamine.
Molecular consequence: missense variant.
Genome position (GRCh38, 1-based): chr7:55,205,371, C>G. VCF-style: chr7-55205371-C-G. GRCh37 (hg19) VCF-style: chr7-55273064-C-G.
Other names: c.3252C>G, p.His1084Gln (NM_001346899.2); c.3228C>G, p.His1076Gln (NM_001346900.2); c.2586C>G, p.His862Gln (NM_001346941.2); short protein forms H1076Q, H1084Q, H1129Q, H862Q.
Identifiers: ClinVar variation 1054884 (VCV001054884.9), dbSNP rs1788067537, ClinGen allele CA367584508.
Genomic context (GRCh38, chr7:55,205,371, plus strand): 5'-CTATCACAATCAGCCTCTGAACCCCGCGCCCAGCAGAGACCCACACTACCAGGACCCCCA[C>G]AGCACTGCAGTGGGCAACCCCGAGTATCTCAACACTGTCCAGCCCACCTGTGTCAACAGC-3'
Protein context (NP_005219.2, residues 1119-1139): PSRDPHYQDP[His1129Gln]STAVGNPEYL

ClinVar aggregate classification (germline): Uncertain significance (1 of 4 stars; one submission).

Conditions:
EGFR-related lung cancer (EGFR). Identifiers: MedGen CN130014.

gnomAD v4.1: 1 of 1,613,952 alleles (0.000062%); highest among the groups gnomAD compares: Non-Finnish European, 0.000085%; no homozygotes.

Submission:

Labcorp Genetics (formerly Invitae), Labcorp
Classification: Uncertain significance for EGFR-related lung cancer. Last evaluated: 2024-10-02. Review status: criteria provided, single submitter. Criteria: Invitae Variant Classification Sherloc (09022015). Collection method: clinical testing. Allele origin: germline.
Comment: This sequence change replaces histidine, which is basic and polar, with glutamine, which is neutral and polar, at codon 1129 of the EGFR protein (p.His1129Gln). This variant is not present in population databases (gnomAD no frequency). This variant has not been reported in the literature in individuals affected with EGFR-related conditions. ClinVar contains an entry for this variant (Variation ID: 1054884). An algorithm developed to predict the effect of missense changes on protein structure and function (PolyPhen-2) suggests that this variant is likely to be tolerated. In summary, the available evidence is currently insufficient to determine the role of this variant in disease. Therefore, it has been classified as a Variant of Uncertain Significance.